The following is an entry in ClinVar:

NM_001105206.3(LAMA4):c.386G>T (p.Cys129Phe)

Gene: LAMA4 (laminin subunit alpha 4; minus strand). Cytogenetic location: 6q21.
Variant type: single nucleotide variant.
Coding change: c.386G>T on transcript NM_001105206.3 (MANE Select); coding-DNA position 386, G replaced by T.
Protein change: p.Cys129Phe; replaces cysteine 129 with phenylalanine.
Molecular consequence: missense variant.
Genome position (GRCh38, 1-based): chr6:112,207,057, C>A on the plus strand (G>T on the coding strand, the complement: LAMA4 is on the minus strand). VCF-style: chr6-112207057-C-A. GRCh37 (hg19) VCF-style: chr6-112528258-C-A.
Other names: c.386G>T, p.Cys129Phe (NM_001105207.3, NM_002290.5); short protein forms C129F.
Identifiers: ClinVar variation 1735687 (VCV001735687.2), dbSNP rs2547191408, ClinGen allele CA365380901.

ClinVar aggregate classification (germline): Uncertain significance (1 of 4 stars; one submission).

Conditions:
Cardiovascular phenotype. Identifiers: MedGen CN230736.

Submission:

Ambry Genetics
Classification: Uncertain significance for Cardiovascular phenotype. Last evaluated: 2021-02-26. Review status: criteria provided, single submitter. Criteria: Ambry Variant Classification Scheme 2023. Collection method: clinical testing. Allele origin: germline.
Comment: The p.C129F variant (also known as c.386G>T), located in coding exon 3 of the LAMA4 gene, results from a G to T substitution at nucleotide position 386. The cysteine at codon 129 is replaced by phenylalanine, an amino acid with highly dissimilar properties. This amino acid position is highly conserved in available vertebrate species. In addition, this alteration is predicted to be deleterious by in silico analysis. Since supporting evidence is limited at this time, the clinical significance of this alteration remains unclear.